The following is an entry in ClinVar:

ClinVar aggregate classification (germline): Pathogenic (1 of 4 stars; one submission).

Submission:

Labcorp Genetics (formerly Invitae), Labcorp
Classification: Pathogenic. Last evaluated: 2022-12-18. Review status: criteria provided, single submitter. Criteria: Invitae Variant Classification Sherloc (09022015). Collection method: clinical testing. Allele origin: germline.
Comment: This sequence change creates a premature translational stop signal (p.Pro170Hisfs*9) in the XPA gene. It is expected to result in an absent or disrupted protein product. Loss-of-function variants in XPA are known to be pathogenic (PMID: 27607234). This variant is not present in population databases (gnomAD no frequency). This variant has not been reported in the literature in individuals affected with XPA-related conditions. For these reasons, this variant has been classified as Pathogenic.

Literature cited by the submitters: PubMed 27607234.

NM_000380.4(XPA):c.509del (p.Pro170fs)

Gene: XPA (XPA, DNA damage recognition and repair factor; minus strand). Cytogenetic location: 9q22.33.
Variant type: Deletion.
Coding change: c.509del on transcript NM_000380.4 (MANE Select); coding-DNA position 509, one base deleted (C; older notation c.509delC).
Protein change: p.Pro170fs; shifts the reading frame from proline 170.
Molecular consequence: frameshift variant. On other transcripts: non-coding transcript variant (4).
Genome position (GRCh38, 1-based): chr9:97,687,142, G deleted on the plus strand (C on the coding strand, the reverse complement: XPA is on the minus strand); the first of 2 consecutive G bases (chr9:97,687,142-97,687,143); deleting either gives the same sequence. VCF-style (leftmost placement, unchanged base first): chr9-97687141-TG-T. GRCh37 (hg19) VCF-style: chr9-100449423-TG-T.
Other names: c.383del, p.Pro128fs (NM_001354975.2); short protein forms P170fs, P128fs.
Identifiers: ClinVar variation 2821876 (VCV002821876.3), dbSNP rs2490221130, ClinGen allele CA2739264870.
Genomic context (GRCh38, chr9:97,687,141, plus strand): 5'-CAACTTATTAGAGACCTGTAACTTTAAGTAGAGTTTCATATCACCCCATTGTGAATGATG[TG>T]GATTCTTCTTCACAATAAATTTAAGAGGTGGCTCTCTTTTTTCTAAATCACAGTCTTTCA-3'